The following is an entry in ClinVar:

ClinVar aggregate classification (germline): Uncertain significance. Review status: criteria provided, multiple submitters, no conflicts (2 of 4 stars). 2 submissions from 2 submitters: Uncertain significance (2). Last evaluated 2025-08-22.

Conditions:
Inborn genetic diseases. Identifiers: MedGen C0950123, MeSH D030342.

Allele frequency attached by ClinVar (database versions not stated): ExAC 0.00001; gnomAD 0.00001; gnomAD exomes 0.00002.
gnomAD v4.1: 30 of 1,611,380 alleles (0.0019%); highest among the groups gnomAD compares: Non-Finnish European, 0.0025%; no homozygotes.

Submissions (2):

Ambry Genetics
Classification: Uncertain significance for Inborn genetic diseases. Last evaluated: 2025-08-22. Review status: criteria provided, single submitter. Criteria: Ambry Variant Classification Scheme 2023. Collection method: clinical testing. Allele origin: germline.

Labcorp Genetics (formerly Invitae), Labcorp
Classification: Uncertain significance. Last evaluated: 2022-11-16. Review status: criteria provided, single submitter. Criteria: Invitae Variant Classification Sherloc (09022015). Collection method: clinical testing. Allele origin: germline.
Comment: In summary, the available evidence is currently insufficient to determine the role of this variant in disease. Therefore, it has been classified as a Variant of Uncertain Significance. Advanced modeling of protein sequence and biophysical properties (such as structural, functional, and spatial information, amino acid conservation, physicochemical variation, residue mobility, and thermodynamic stability) performed at Invitae indicates that this missense variant is expected to disrupt KMT2B protein function. This variant has not been reported in the literature in individuals affected with KMT2B-related conditions. This variant is present in population databases (rs754316086, gnomAD 0.002%). This sequence change replaces glycine, which is neutral and non-polar, with alanine, which is neutral and non-polar, at codon 1395 of the KMT2B protein (p.Gly1395Ala).

NM_014727.3(KMT2B):c.4184G>C (p.Gly1395Ala)

Gene: KMT2B (lysine methyltransferase 2B; plus strand). Cytogenetic location: 19q13.12.
Variant type: single nucleotide variant.
Coding change: c.4184G>C on transcript NM_014727.3 (MANE Select); coding-DNA position 4184, G replaced by C.
Protein change: p.Gly1395Ala; replaces glycine 1395 with alanine.
Molecular consequence: missense variant.
Genome position (GRCh38, 1-based): chr19:35,727,504, G>C. VCF-style: chr19-35727504-G-C. GRCh37 (hg19) VCF-style: chr19-36218405-G-C.
Other names: c.4184G>C (NM_014727.1); short protein forms G1395A.
Identifiers: ClinVar variation 1934549 (VCV001934549.6), dbSNP rs754316086, ClinGen allele CA9385004.